The following is an entry in ClinVar:

NM_000059.4(BRCA2):c.1786_1795del (p.Asp596fs)

Gene: BRCA2 (BRCA2 DNA repair associated; plus strand). Cytogenetic location: 13q13.1.
Variant type: Deletion.
Coding change: c.1786_1795del on transcript NM_000059.4 (MANE Select); coding-DNA positions 1786 to 1795, 10 bases deleted (GATGAAACAT; older notation c.1786_1795delGATGAAACAT).
Protein change: p.Asp596fs; shifts the reading frame from aspartic acid 596.
Molecular consequence: frameshift variant.
Genome position (GRCh38, 1-based): chr13:32,333,264-32,333,273, GATGAAACAT deleted; deleting any 10 consecutive bases within chr13:32,333,260-32,333,273 gives the same sequence; the c. name uses the placement nearest the transcript's 3' end. VCF-style (leftmost placement, unchanged base first): chr13-32333259-TACATGATGAA-T. GRCh37 (hg19) VCF-style: chr13-32907396-TACATGATGAA-T.
Other names: c.1786_1795delGATGAAACAT (NM_000059.3); short protein forms D596fs.
Identifiers: ClinVar variation 642359 (VCV000642359.7), dbSNP rs1593893831, ClinGen allele CA915946968.

ClinVar aggregate classification (germline): Pathogenic (1 of 4 stars; one submission).

Conditions:
Hereditary breast ovarian cancer syndrome. Also called: Hereditary breast and ovarian cancer; Hereditary breast and ovarian cancer syndrome; Hereditary breast and ovarian cancer syndrome (HBOC); Hereditary breast and/or ovarian cancer syndrome; Breast and ovarian cancer; BRCA1- and BRCA2-Associated Hereditary Breast and Ovarian Cancer. Identifiers: Orphanet 145, MedGen C0677776, MeSH D061325, MONDO:0003582. Disease mechanism: loss of function.

Submission:

Labcorp Genetics (formerly Invitae), Labcorp
Classification: Pathogenic for Hereditary breast ovarian cancer syndrome. Last evaluated: 2024-02-01. Review status: criteria provided, single submitter. Criteria: Invitae Variant Classification Sherloc (09022015). Collection method: clinical testing. Allele origin: germline.
Comment: This sequence change creates a premature translational stop signal (p.Asp596Leufs*15) in the BRCA2 gene. It is expected to result in an absent or disrupted protein product. Loss-of-function variants in BRCA2 are known to be pathogenic (PMID: 20104584). This variant is not present in population databases (gnomAD no frequency). This variant has not been reported in the literature in individuals affected with BRCA2-related conditions. ClinVar contains an entry for this variant (Variation ID: 642359). For these reasons, this variant has been classified as Pathogenic.

Literature cited by the submitters: PubMed 20104584.